The following is an entry in ClinVar:

ClinVar aggregate classification (germline): Likely benign (1 of 4 stars; one submission).

Submission:

GeneDx
Classification: Likely benign. Last evaluated: 2018-06-14. Review status: criteria provided, single submitter. Criteria: GeneDx Variant Classification (06012015). Collection method: clinical testing. Allele origin: germline. Affected: yes.
Comment: This variant is considered likely benign or benign based on one or more of the following criteria: it is a conservative change, it occurs at a poorly conserved position in the protein, it is predicted to be benign by multiple in silico algorithms, and/or has population frequency not consistent with disease.

NM_001854.4(COL11A1):c.274+194_274+198del

Gene: COL11A1 (collagen type XI alpha 1 chain; minus strand). Cytogenetic location: 1p21.1.
Variant type: Deletion.
Coding change: c.274+194_274+198del on transcript NM_001854.4 (MANE Select); bases 194 to 198 of the intron after coding-DNA position 274, 5 bases deleted (TGAAA; older notation c.274+194_274+198delTGAAA).
Molecular consequence: intron variant.
Genome position (GRCh38, 1-based): chr1:103,082,607-103,082,611, TTTCA deleted on the plus strand (TGAAA on the coding strand, the reverse complement: COL11A1 is on the minus strand); deleting any 5 consecutive bases within chr1:103,082,607-103,082,613 gives the same sequence; the c. name uses the placement nearest the transcript's 3' end. VCF-style (leftmost placement, unchanged base first): chr1-103082606-TTTTCA-T. GRCh37 (hg19) VCF-style: chr1-103548162-TTTTCA-T.
Other names: c.274+194_274+198del (NM_001190709.2, NM_080629.3, NM_080630.4).
Identifiers: ClinVar variation 677959 (VCV000677959.1), dbSNP rs141045560, ClinGen allele CA27756101.